The following is an entry in ClinVar:

ClinVar aggregate classification (germline): Uncertain significance (1 of 4 stars; one submission).

Allele frequency attached by ClinVar (database versions not stated): TOPMed below 0.00001.

Submission:

Women's Health and Genetics/Laboratory Corporation of America, LabCorp
Classification: Uncertain significance. Last evaluated: 2022-02-07. Review status: criteria provided, single submitter. Criteria: LabCorp Variant Classification Summary - May 2015. Collection method: clinical testing. Allele origin: germline.
Comment: Variant summary: TTN c.12859G>A (p.Val4287Met) results in a conservative amino acid change located in the I-band domain of the encoded protein sequence. Two of three in-silico tools predict a benign effect of the variant on protein function. The variant was absent in 247640 control chromosomes. The available data on variant occurrences in the general population are insufficient to allow any conclusion about variant significance. To our knowledge, no occurrence of c.12859G>A in individuals affected with Dilated Cardiomyopathy and no experimental evidence demonstrating its impact on protein function have been reported. No clinical diagnostic laboratories have submitted clinical-significance assessments for this variant to ClinVar after 2014. Based on the evidence outlined above, the variant was classified as uncertain significance.

NM_001267550.2(TTN):c.16591G>A (p.Val5531Met)

Gene: TTN (titin; minus strand). Cytogenetic location: 2q31.2.
Variant type: single nucleotide variant.
Coding change: c.16591G>A on transcript NM_001267550.2 (MANE Select); coding-DNA position 16591, G replaced by A.
Protein change: p.Val5531Met; replaces valine 5531 with methionine.
Molecular consequence: missense variant. On other transcripts: intron variant (3).
Genome position (GRCh38, 1-based): chr2:178,732,470, C>T on the plus strand (G>A on the coding strand, the complement: TTN is on the minus strand). VCF-style: chr2-178732470-C-T. GRCh37 (hg19) VCF-style: chr2-179597197-C-T.
Other names: c.15640G>A, p.Val5214Met (NM_001256850.1); c.12859G>A, p.Val4287Met (NM_133378.4); c.13282+5612G>A (NM_003319.4); c.13858+5612G>A (NM_133437.4); c.13657+5612G>A (NM_133432.3); short protein forms V4287M, V5214M, V5531M.
Identifiers: ClinVar variation 1343730 (VCV001343730.1), dbSNP rs1301488285, ClinGen allele CA349582959.